The following is an entry in ClinVar:

ClinVar aggregate classification (germline): Uncertain significance (1 of 4 stars; one submission).

Allele frequency attached by ClinVar (database versions not stated): TOPMed below 0.00001.

Submission:

Labcorp Genetics (formerly Invitae), Labcorp
Classification: Uncertain significance. Last evaluated: 2022-06-28. Review status: criteria provided, single submitter. Criteria: Invitae Variant Classification Sherloc (09022015). Collection method: clinical testing. Allele origin: germline.
Comment: This variant has not been reported in the literature in individuals affected with IARS2-related conditions. This variant is not present in population databases (gnomAD no frequency). This sequence change replaces serine, which is neutral and polar, with glycine, which is neutral and non-polar, at codon 926 of the IARS2 protein (p.Ser926Gly). Algorithms developed to predict the effect of missense changes on protein structure and function output the following: SIFT: "Tolerated"; PolyPhen-2: "Benign"; Align-GVGD: "Class C0". The glycine amino acid residue is found in multiple mammalian species, which suggests that this missense change does not adversely affect protein function. In summary, the available evidence is currently insufficient to determine the role of this variant in disease. Therefore, it has been classified as a Variant of Uncertain Significance.

NM_018060.4(IARS2):c.2776A>G (p.Ser926Gly)

Gene: IARS2 (isoleucyl-tRNA synthetase 2, mitochondrial; plus strand). Cytogenetic location: 1q41.
Variant type: single nucleotide variant.
Coding change: c.2776A>G on transcript NM_018060.4 (MANE Select); coding-DNA position 2776, A replaced by G.
Protein change: p.Ser926Gly; replaces serine 926 with glycine.
Molecular consequence: missense variant.
Genome position (GRCh38, 1-based): chr1:220,145,533, A>G. VCF-style: chr1-220145533-A-G. GRCh37 (hg19) VCF-style: chr1-220318875-A-G.
Other names: short protein forms S926G.
Identifiers: ClinVar variation 2011872 (VCV002011872.4), dbSNP rs1657568915, ClinGen allele CA344618239.
Genomic context (GRCh38, chr1:220,145,533, plus strand): 5'-TAACATAAACTGTAACTTTCACATGCTTCCTTCCAGATGCTGCAGTCTGAAGAGACTTCC[A>G]GCACCTCTCAGTTGAATGAATTAATGATGGCTTCTGAGTCAACTTTACTGGCTCAGGAAC-3'
Protein context (NP_060530.3, residues 916-936): IEMLQSEETS[Ser926Gly]TSQLNELMMA